The following is an entry in ClinVar:

ClinVar aggregate classification (germline): Uncertain significance. Review status: criteria provided, multiple submitters, no conflicts (2 of 4 stars). 4 submissions from 4 submitters: Uncertain significance (4). Last evaluated 2025-06-19.

Conditions:
CFTR-related disorder (CFTR-RD). Also called: CFTR-related disorders; CFTR-related condition. Identifiers: MedGen C5924204, MONDO:7770004.
Cystic fibrosis (CF). Also called: MUCOVISCIDOSIS. Identifiers: Orphanet 586, MedGen C0010674, MONDO:0009061, OMIM 219700. Disease mechanism: loss of function.
Bronchiectasis with or without elevated sweat chloride 1 (BESC1). Also called: Cystic Fibrosis-Like Syndrome. Identifiers: Orphanet 60033, MedGen C2749757, MONDO:0008887, OMIM 211400.

Allele frequency attached by ClinVar (database versions not stated): ExAC 0.00002; ESP Exome Variant Server 0.00008; TOPMed below 0.00001; gnomAD exomes 0.00001.
gnomAD v4.1: 19 of 1,581,610 alleles (0.0012%); highest among the groups gnomAD compares: Non-Finnish European, 0.0016%; no homozygotes.

Submissions (4):

PreventionGenetics, part of Exact Sciences
Classification: Uncertain significance for CFTR-related condition. Last evaluated: 2025-06-19. Review status: criteria provided, single submitter. Criteria: ACMG Guidelines, 2015. Collection method: clinical testing. Allele origin: germline.
Comment: The CFTR c.1144A>C variant is predicted to result in the amino acid substitution p.Thr382Pro. To our knowledge, this variant has not been reported in the literature. This variant is reported in 0.0026% of alleles in individuals of European (Non-Finnish) descent in gnomAD. At this time, the clinical significance of this variant is uncertain due to the absence of conclusive functional and genetic evidence.

Labcorp Genetics (formerly Invitae), Labcorp
Classification: Uncertain significance for Cystic fibrosis. Last evaluated: 2024-07-30. Review status: criteria provided, single submitter. Criteria: Invitae Variant Classification Sherloc (09022015). Collection method: clinical testing. Allele origin: germline.
Comment: This sequence change replaces threonine, which is neutral and polar, with proline, which is neutral and non-polar, at codon 382 of the CFTR protein (p.Thr382Pro). This variant is present in population databases (rs375975969, gnomAD 0.003%). This variant has not been reported in the literature in individuals affected with CFTR-related conditions. ClinVar contains an entry for this variant (Variation ID: 1732049). Advanced modeling of protein sequence and biophysical properties (such as structural, functional, and spatial information, amino acid conservation, physicochemical variation, residue mobility, and thermodynamic stability) performed at Invitae indicates that this missense variant is not expected to disrupt CFTR protein function with a negative predictive value of 80%. In summary, the available evidence is currently insufficient to determine the role of this variant in disease. Therefore, it has been classified as a Variant of Uncertain Significance.

Ambry Genetics
Classification: Uncertain significance for Cystic fibrosis. Last evaluated: 2024-07-11. Review status: criteria provided, single submitter. Criteria: Ambry Variant Classification Scheme 2023. Collection method: clinical testing. Allele origin: germline.
Comment: The p.T382P variant (also known as c.1144A>C), located in coding exon 9 of the CFTR gene, results from an A to C substitution at nucleotide position 1144. The threonine at codon 382 is replaced by proline, an amino acid with highly similar properties. This amino acid position is not well conserved in available vertebrate species. In addition, the in silico prediction for this alteration is inconclusive. Based on the available evidence, the clinical significance of this variant remains unclear.

Baylor Genetics
Classification: Uncertain significance for Bronchiectasis with or without elevated sweat chloride 1. Last evaluated: 2023-05-11. Review status: criteria provided, single submitter. Criteria: ACMG Guidelines, 2015. Collection method: clinical testing. Allele origin: unknown.

NM_000492.4(CFTR):c.1144A>C (p.Thr382Pro)

Gene: CFTR (CF transmembrane conductance regulator; plus strand). Cytogenetic location: 7q31.2.
Variant type: single nucleotide variant.
Coding change: c.1144A>C on transcript NM_000492.4 (MANE Select); coding-DNA position 1144, A replaced by C.
Protein change: p.Thr382Pro; replaces threonine 382 with proline.
Molecular consequence: missense variant.
Genome position (GRCh38, 1-based): chr7:117,542,043, A>C. VCF-style: chr7-117542043-A-C. GRCh37 (hg19) VCF-style: chr7-117182097-A-C.
Other names: short protein forms T382P.
Identifiers: ClinVar variation 1732049 (VCV001732049.8), dbSNP rs375975969, ClinGen allele CA4450910.